The following is an entry in ClinVar:

ClinVar aggregate classification (germline): Uncertain significance (1 of 4 stars; one submission).

Allele frequency attached by ClinVar (database versions not stated): ExAC 0.00001.
gnomAD v4.1: 1 of 1,585,262 alleles (0.000063%); highest among the groups gnomAD compares: South Asian, 0.0011%; no homozygotes.

Submission:

Labcorp Genetics (formerly Invitae), Labcorp
Classification: Uncertain significance. Last evaluated: 2023-10-09. Review status: criteria provided, single submitter. Criteria: Invitae Variant Classification Sherloc (09022015). Collection method: clinical testing. Allele origin: germline.
Comment: This sequence change replaces threonine, which is neutral and polar, with isoleucine, which is neutral and non-polar, at codon 1012 of the GUCY2C protein (p.Thr1012Ile). The frequency data for this variant in the population databases is considered unreliable, as metrics indicate poor data quality at this position in the gnomAD database. This variant has not been reported in the literature in individuals affected with GUCY2C-related conditions. An algorithm developed to predict the effect of missense changes on protein structure and function (PolyPhen-2) suggests that this variant is likely to be tolerated. In summary, the available evidence is currently insufficient to determine the role of this variant in disease. Therefore, it has been classified as a Variant of Uncertain Significance.

NM_004963.4(GUCY2C):c.3035C>T (p.Thr1012Ile)

Genes: GUCY2C (guanylate cyclase 2C; minus strand), PLBD1-AS1 (PLBD1 antisense RNA 1; plus strand), LOC130007489 (ATAC-STARR-seq lymphoblastoid silent region 4275; plus strand). Cytogenetic location: 12p12.3.
Variant type: single nucleotide variant.
Coding change: c.3035C>T on transcript NM_004963.4 (MANE Select); coding-DNA position 3035, C replaced by T.
Protein change: p.Thr1012Ile; replaces threonine 1012 with isoleucine.
Molecular consequence: missense variant.
Genome position (GRCh38, 1-based): chr12:14,614,879, G>A on the plus strand (C>T on the coding strand, the complement: GUCY2C is on the minus strand). VCF-style: chr12-14614879-G-A. GRCh37 (hg19) VCF-style: chr12-14767813-G-A.
Other names: short protein forms T1012I.
Identifiers: ClinVar variation 3000859 (VCV003000859.3), dbSNP rs535349983, ClinGen allele CA6462899.
Genomic context (GRCh38, chr12:14,614,879, plus strand): 5'-CCAAGATCTCTAATTTCCTCCCTGTCCCTGCCACACCCAGAAGCTTACACAGTAGGAGGG[G>A]TTGGCAGGTTGAATTTCTGGTCCTTCATCCCAGTCAGCCAGTAGGTAGTCTCATTTCCTC-3'
Protein context (NP_004954.2, residues 1002-1022): GMKDQKFNLP[Thr1012Ile]PPTVENQQRL